The following is an entry in ClinVar:

ClinVar aggregate classification (germline): Likely benign (1 of 4 stars; one submission).

Submission:

CeGaT Center for Human Genetics Tuebingen
Classification: Likely benign. Last evaluated: 2024-06-01. Review status: criteria provided, single submitter. Criteria: CeGaT Center For Human Genetics Tuebingen Variant Classification Criteria Version 2. Collection method: clinical testing. Allele origin: germline. Affected: yes. Observed: 1 variant allele.
Comment: UPF3B: PM2:Supporting, BP4, BP7

NM_080632.3(UPF3B):c.66C>G (p.Ala22=)

Gene: UPF3B (UPF3B regulator of nonsense mediated mRNA decay; minus strand). Cytogenetic location: Xq24.
Variant type: single nucleotide variant.
Coding change: c.66C>G on transcript NM_080632.3 (MANE Select); coding-DNA position 66, C replaced by G.
Protein change: p.Ala22=; no amino-acid change (alanine 22 retained).
Molecular consequence: synonymous variant.
Genome position (GRCh38, 1-based): chrX:119,852,863, G>C on the plus strand (C>G on the coding strand, the complement: UPF3B is on the minus strand). VCF-style: chrX-119852863-G-C. GRCh37 (hg19) VCF-style: chrX-118986826-G-C.
Other names: c.66C>G, p.Ala22= (NM_023010.4).
Identifiers: ClinVar variation 3250631 (VCV003250631.18), dbSNP rs890947408.